The following is an entry in ClinVar:

ClinVar aggregate classification (germline): Uncertain significance (1 of 4 stars; one submission).

Submission:

GeneDx
Classification: Uncertain significance. Last evaluated: 2025-10-10. Review status: criteria provided, single submitter. Criteria: GeneDx Variant Classification Process June 2021. Collection method: clinical testing. Allele origin: germline. Affected: yes.
Comment: Identified in a family with CPVT that was referred for genetic testing at GeneDx and subsequently reported in published literature (PMID: 27491078); Not observed at significant frequency in large population cohorts (gnomAD); In silico analysis supports that this missense variant has a deleterious effect on protein structure/function; Not located in one of the three hot-spot regions of the RYR2 gene, where the majority of pathogenic missense variants occur (Medeiros-Domingo et al., 2009); This variant is associated with the following publications: (PMID: 29760739, 30205876, 19926015, 27491078)

NM_001035.3(RYR2):c.11222T>C (p.Leu3741Pro)

Gene: RYR2 (ryanodine receptor 2; plus strand). Cytogenetic location: 1q43.
Variant type: single nucleotide variant.
Coding change: c.11222T>C on transcript NM_001035.3 (MANE Select); coding-DNA position 11222, T replaced by C.
Protein change: p.Leu3741Pro; replaces leucine 3741 with proline.
Molecular consequence: missense variant.
Genome position (GRCh38, 1-based): chr1:237,756,364, T>C. VCF-style: chr1-237756364-T-C. GRCh37 (hg19) VCF-style: chr1-237919664-T-C.
Other names: p.L3741P:CTA>CCA; c.11222T>C, p.Leu3741Pro (LRG_402t1); short protein forms L3741P.
Identifiers: ClinVar variation 201309 (VCV000201309.5), dbSNP rs794728772, ClinGen allele CA006923.